The following is an entry in ClinVar:

NM_004656.4(BAP1):c.1695T>C (p.Ala565=)

Gene: BAP1 (BRCA1 associated deubiquitinase 1; minus strand). Cytogenetic location: 3p21.1.
Variant type: single nucleotide variant.
Coding change: c.1695T>C on transcript NM_004656.4 (MANE Select); coding-DNA position 1695, T replaced by C.
Protein change: p.Ala565=; no amino-acid change (alanine 565 retained).
Molecular consequence: synonymous variant.
Genome position (GRCh38, 1-based): chr3:52,403,450, A>G on the plus strand (T>C on the coding strand, the complement: BAP1 is on the minus strand). VCF-style: chr3-52403450-A-G. GRCh37 (hg19) VCF-style: chr3-52437466-A-G.
Other names: c.1641T>C, p.Ala547= (NM_001410772.1).
Identifiers: ClinVar variation 3379117 (VCV003379117.1).

ClinVar aggregate classification (germline): Benign (1 of 4 stars; one submission).

Conditions:
BAP1-related tumor predisposition syndrome (TPDS1). Also called: BAP1 tumor predisposition syndrome; Tumor susceptibility linked to germline BAP1 mutations; COMMON Syndrome; TUMOR PREDISPOSITION SYNDROME 1. Identifiers: Orphanet 289539, MedGen C3280492, MONDO:0013692, OMIM 614327.

Submission:

Myriad Genetics, Inc.
Classification: Benign for BAP1-related tumor predisposition syndrome. Last evaluated: 2024-07-16. Review status: criteria provided, single submitter. Criteria: Myriad Autosomal Dominant, Autosomal Recessive and X-Linked Classification Criteria (2023). Collection method: clinical testing. Allele origin: unknown.
Comment: This variant is considered benign. This variant is a silent/synonymous amino acid change and it is not expected to impact splicing.